The following is an entry in ClinVar:

NM_003742.4(ABCB11):c.3637G>A (p.Gly1213Arg)

Gene: ABCB11 (ATP binding cassette subfamily B member 11; minus strand). Cytogenetic location: 2q31.1.
Variant type: single nucleotide variant.
Coding change: c.3637G>A on transcript NM_003742.4 (MANE Select); coding-DNA position 3637, G replaced by A.
Protein change: p.Gly1213Arg; replaces glycine 1213 with arginine.
Molecular consequence: missense variant.
Genome position (GRCh38, 1-based): chr2:168,924,785, C>T on the plus strand (G>A on the coding strand, the complement: ABCB11 is on the minus strand). VCF-style: chr2-168924785-C-T. GRCh37 (hg19) VCF-style: chr2-169781295-C-T.
Other names: NM_003742.4:c.3637G>A; short protein forms G1213R.
Identifiers: ClinVar variation 3776834 (VCV003776834.3).

ClinVar aggregate classification (germline): Conflicting classifications of pathogenicity. Review status: criteria provided, conflicting classifications (1 of 4 stars). 3 submissions from 3 submitters: Likely pathogenic (1); Uncertain significance (2). Last evaluated 2026-04-14.

Conditions:
Familial intrahepatic cholestasis. Identifiers: Orphanet 284385, MedGen CN296401, MONDO:0017290.
Progressive familial intrahepatic cholestasis type 2. Identifiers: Orphanet 79304, MedGen C3489789, MONDO:0011156, OMIM 601847.
Benign recurrent intrahepatic cholestasis type 2 (BRIC2). Also called: Recurrent familial intrahepatic cholestasis 2. Identifiers: Orphanet 65682, Orphanet 99961, MedGen C2608083, MONDO:0011559, OMIM 605479.

gnomAD v4.1: 2 of 1,609,122 alleles (0.00012%); highest among the groups gnomAD compares: Non-Finnish European, 0.00017%; no homozygotes.

Submissions (3):

Genomenon, Inc
Classification: Uncertain significance for Familial intrahepatic cholestasis. Last evaluated: 2026-04-14. Review status: criteria provided, single submitter. Criteria: Genomenon Sequence Variant Interpretation Standards - Updated. Collection method: curation. Allele origin: germline. Affected: yes.
Comment: ABCB11 p.Gly1213Arg (c.3637G>A) is a missense variant that changes the amino acid at residue 1213 from Glycine to Arginine. This variant has been observed in at least one proband with an ABCB11-related disorder (PMID:32087350). It is absent or not present at a significant frequency in gnomAD. In silico models predict that this variant is possibly or probably damaging. In conclusion, we classify ABCB11 p.Gly1213Arg (c.3637G>A) as a variant of uncertain significance.

Victorian Clinical Genetics Services, Murdoch Childrens Research Institute
Classification: Likely pathogenic for Benign recurrent intrahepatic cholestasis type 2. Last evaluated: 2025-12-31. Review status: criteria provided, single submitter. Criteria: ACMG Guidelines, 2015. Collection method: clinical testing. Allele origin: germline. Affected: yes.
Comment: This variant is classified as Likely pathogenic. Evidence in support of pathogenic classification: Variant is present in gnomAD <0.01 for a recessive condition (v4: 2 heterozygote(s), 0 homozygote(s)). - This variant has limited previous evidence of pathogenicity in an unrelated individual. This variant has been reported in the literature in a homozygous state in an individual with cholestasis (PMID: 34016879); Another missense variant comparable to the one identified in this case has limited previous evidence for pathogenicity. The p.(Gly1213Val) variant has been reported in a compound heterozygous state in two siblings with progressive familial intrahepatic cholestasis (PMID: 32289814); Missense variant predicted to be damaging by in silico tool(s) or highly conserved with a major amino acid change; Heterozygous variant detected in trans with a second LIKELY PATHOGENIC heterozygous variant (NM_003742.4(ABCB11):c.1549C>T; p.(Arg517Cys)) in a recessive disease. Additional information: Variant is predicted to result in a missense amino acid change from Gly to Arg; This variant is heterozygous; This gene is associated with autosomal recessive disease; Alternative amino acid change(s) at the same position are present in gnomAD (highest allele count: v4: 1 heterozygote(s), 0 homozygote(s)). - No published evidence of segregation with disease has been identified for this variant; No published functional evidence has been identified for this variant; Variant is located in the annotated ABC transporter domain (DECIPHER). - Loss of function is a known mechanism of disease in this gene and is associated with cholestasis, benign recurrent intrahepatic, 2 (MIM#605479) and cholestasis, progressive familial intrahepatic 2 (MIM#601847).

Broad Center for Mendelian Genomics, Broad Institute of MIT and Harvard
Classification: Uncertain significance for Progressive familial intrahepatic cholestasis type 2. Last evaluated: 2025-01-23. Review status: criteria provided, single submitter. Criteria: ACMG Guidelines, 2015. Collection method: curation. Allele origin: germline. Inheritance: Autosomal recessive inheritance.
Comment: The p.Gly1213Arg variant in ABCB11 has been reported in three individuals with BSEP deficiency (PMID: 34016879; DOI: 10.33612/diss.133430251), and has been identified in 0.0002% (2/1178112) of European (non-Finnish) chromosomes by the Genome Aggregation Database (gnomAD; dbSNP rs777001075). Although this variant has been seen in the general population in a heterozygous state, its frequency is low enough to be consistent with a recessive carrier frequency. Of the 3 affected individuals, two of those were homozygotes, which increases the likelihood that the p.Gly1213Arg variant is pathogenic (PMID: 34016879; DOI: 10.33612/diss.133430251). Computational prediction tools and conservation analyses suggest that this variant may impact the protein, though this information is not predictive enough to determine pathogenicity. In summary, while there is some suspicion for a pathogenic role, the clinical significance of this variant is uncertain. ACMG/AMP Criteria applied: PM3, PP3_moderate, PM2_supporting (Richards 2015).

Literature cited by the submitters: PubMed 32087350 (cited by Genomenon, Inc); PubMed 34016879 (cited by Victorian Clinical Genetics Services, Murdoch Childrens Research Institute); PubMed 32289814 (cited by Victorian Clinical Genetics Services, Murdoch Childrens Research Institute).